The following is an entry in ClinVar:

ClinVar aggregate classification (germline): Pathogenic. Review status: criteria provided, multiple submitters, no conflicts (2 of 4 stars). 4 submissions from 4 submitters: Pathogenic (4). Last evaluated 2025-10-24.

Conditions:
Epidermolysis bullosa dystrophica. Also called: Dystrophic epidermolysis bullosa, Hallopeau-Siemens type (formerly); Dystrophic epidermolysis bullosa. Identifiers: Orphanet 303, MedGen C0079294, MONDO:0006543.
Recessive dystrophic epidermolysis bullosa (RDEB). Also called: severe generalized recessive dystrophic epidermolysis bullosa; epidermolysis bullosa dystrophica, autosomal recessive; EPIDERMOLYSIS BULLOSA DYSTROPHICA, GENERALIZED SEVERE, AUTOSOMAL RECESSIVE; Epidermolysis Bullosa Distrophica Autosomal Recessive (RDEB); Recessive DEB (RDEB); DYSTROPHIC EPIDERMOLYSIS BULLOSA, AUTOSOMAL RECESSIVE. Identifiers: Orphanet 79408, Orphanet 79409, MedGen C0079474, MONDO:0009179, OMIM 226600.
Nonsyndromic congenital nail disorder 8. Also called: TOENAIL DYSTROPHY, ISOLATED. Identifiers: MedGen C1843761, MONDO:0011852, OMIM 607523.
Transient bullous dermolysis of the newborn (TBDN). Also called: DYSTROPHIC EPIDERMOLYSIS BULLOSA, NEONATAL; EPIDERMOLYSIS BULLOSA DYSTROPHICA, NEONATAL FORM. Identifiers: Orphanet 79411, MedGen C1851573, MONDO:0007548, OMIM 131705.
Pretibial dystrophic epidermolysis bullosa. Also called: Pretibial blistering; Pretibial epidermolysis bullosa; EPIDERMOLYSIS BULLOSA DYSTROPHICA, PRETIBIAL. Identifiers: Orphanet 79410, MedGen C0432321, MONDO:0007552, OMIM 131850, HP:0012221.
Dominant dystrophic epidermolysis bullosa with absence of skin. Also called: EPIDERMOLYSIS BULLOSA WITH CONGENITAL LOCALIZED ABSENCE OF SKIN AND DEFORMITY OF NAILS; EPIDERMOLYSIS BULLOSA DYSTROPHICA, BART TYPE. Identifiers: MedGen C0268371, MONDO:0007557, OMIM 132000.
Epidermolysis bullosa pruriginosa. Also called: DEB, PRURIGINOSA; DYSTROPHIC EPIDERMOLYSIS BULLOSA PRURIGINOSA. Identifiers: Orphanet 89843, MedGen C1275114, MONDO:0011398, OMIM 604129.
Generalized dominant dystrophic epidermolysis bullosa (DDEB). Also called: Dominant DEB (DDEB); DDEB, generalized; DDEB-gen; DYSTROPHIC EPIDERMOLYSIS BULLOSA, AUTOSOMAL DOMINANT; Epidermolysis bullosa dystrophica, autosomal dominant. Identifiers: Orphanet 231568, MedGen C0432322, MONDO:0007549, OMIM 131750.

gnomAD v4.1: 3 of 1,614,024 alleles (0.00019%); highest among the groups gnomAD compares: Admixed American, 0.0017%; no homozygotes.

Submissions (4):

Myriad Genetics, Inc.
Classification: Pathogenic for Recessive dystrophic epidermolysis bullosa. Last evaluated: 2025-10-24. Review status: criteria provided, single submitter. Criteria: Myriad Autosomal Dominant, Autosomal Recessive and X-Linked Classification Criteria (2023). Collection method: clinical testing. Allele origin: unknown.
Comment: NM_000094.3(COL7A1):c.6751-1G>T is a variant in a canonical splice site classified as pathogenic in the context of dystrophic epidermolysis bullosa. c.6751-1G>T has been observed in cases with relevant disease (PMID: 24213372, 29473190). Relevant functional assessments of this variant are not available in the literature. c.6751-1G>T has been observed in referenced population frequency databases. In summary, NM_000094.3(COL7A1):c.6751-1G>T is a variant in a canonical splice site that has been observed more frequently in cases with the relevant disease than in healthy populations. Please note: this variant was assessed in the context of healthy population screening.

Natera, Inc.
Classification: Pathogenic for Dystrophic epidermolysis bullosa. Last evaluated: 2025-09-16. Review status: criteria provided, single submitter. Criteria: Natera Variant Classification Schema (03/2026). Collection method: clinical testing. Allele origin: germline.
Comment: The c.6751-1G>T variant in COL7A1 is a canonical splice acceptor site variant predicted to affect pre-mRNA splicing, which may result in an abnormal transcript and altered protein product. This variant is expected to result in nonsense mediated decay, truncation, or a dysfunctional protein product. This variant is rare in the general population with a frequency below the threshold expected for the associated phenotype(s). This variant has been observed in one or more individuals affected with the associated recessive disease, as either homozygous or compound heterozygous with a second variant (PMID: 38237731, 29473190, 24213372). Given the available evidence, this variant is classified as Pathogenic.

Labcorp Genetics (formerly Invitae), Labcorp
Classification: Pathogenic. Last evaluated: 2025-08-11. Review status: criteria provided, single submitter. Criteria: Invitae Variant Classification Sherloc (09022015). Collection method: clinical testing. Allele origin: germline.
Comment: This sequence change affects an acceptor splice site in intron 85 of the COL7A1 gene. It is expected to disrupt splicing. Variants that disrupt the donor or acceptor splice site typically lead to a loss of protein function (PMID: 16199547), and loss-of-function variants in COL7A1 are known to be disease-causing for autosomal recessive dystrophic epidermolysis bullosa (PMID: 16971478). However, certain variants affecting donor or acceptor splice sites in the triple helical domain of COL7A1 are expected to result in in-frame exon skipping and have been reported to cause autosomal dominant dystrophic epidermolysis bullosa (PMID: 31670143). This variant is present in population databases (no rsID available, gnomAD 0.003%). Disruption of this splice site has been observed in individuals with autosomal recessive epidermolysis bullosa dystrophica (PMID: 24213372). This variant is also known as IVS85-1G>T. ClinVar contains an entry for this variant (Variation ID: 2203362). Algorithms developed to predict the effect of sequence changes on RNA splicing suggest that this variant may disrupt the consensus splice site. For these reasons, this variant has been classified as Pathogenic.

Fulgent Genetics
Classification: Pathogenic for Transient bullous dermolysis of the newborn; Generalized dominant dystrophic epidermolysis bullosa; Pretibial dystrophic epidermolysis bullosa; Dominant dystrophic epidermolysis bullosa with absence of skin; Recessive dystrophic epidermolysis bullosa; Epidermolysis bullosa pruriginosa; Nonsyndromic congenital nail disorder 8. Last evaluated: 2024-03-07. Review status: criteria provided, single submitter. Criteria: ACMG Guidelines, 2015. Collection method: clinical testing. Allele origin: germline.

Literature cited by the submitters: PubMed 24213372 (cited by 3 submitters); PubMed 29473190 (cited by Myriad Genetics, Inc. and Natera, Inc.); PubMed 38237731 (cited by Natera, Inc.); PubMed 16199547 (cited by Labcorp Genetics (formerly Invitae), Labcorp); PubMed 16971478 (cited by Labcorp Genetics (formerly Invitae), Labcorp); PubMed 31670143 (cited by Labcorp Genetics (formerly Invitae), Labcorp).

NM_000094.4(COL7A1):c.6751-1G>T

Gene: COL7A1 (collagen type VII alpha 1 chain; minus strand). Cytogenetic location: 3p21.31.
Variant type: single nucleotide variant.
Coding change: c.6751-1G>T on transcript NM_000094.4 (MANE Select); the canonical splice acceptor site of the intron before coding-DNA position 6751, G replaced by T.
Molecular consequence: splice acceptor variant.
Genome position (GRCh38, 1-based): chr3:48,572,943, C>A on the plus strand (G>T on the coding strand, the complement: COL7A1 is on the minus strand). VCF-style: chr3-48572943-C-A. GRCh37 (hg19) VCF-style: chr3-48610376-C-A.
Other names: c.6751-1G>T (NM_000094.3).
Identifiers: ClinVar variation 2203362 (VCV002203362.7), dbSNP rs1420754603, ClinGen allele CA352654946.